The following is an entry in ClinVar:

ClinVar aggregate classification (germline): Uncertain significance. Review status: criteria provided, multiple submitters, no conflicts (2 of 4 stars). 6 submissions from 6 submitters: Uncertain significance (5). 1 of the submissions does not count toward it. Last evaluated 2026-09-11.

Conditions:
FH-related disorder. Also called: FH-related disorders; FH-related condition.
Hereditary cancer-predisposing syndrome. Also called: Tumor predisposition; Hereditary neoplastic syndrome; Neoplastic Syndromes, Hereditary; Hereditary Cancer Syndrome. Identifiers: Orphanet 140162, MedGen C0027672, MeSH D009386, MONDO:0015356.
Hereditary leiomyomatosis and renal cell cancer. Also called: Familial leiomyomatosis; MULTIPLE CUTANEOUS AND UTERINE LEIOMYOMATA 1, WITH OR WITHOUT RENAL CELL CARCINOMA; FH tumor predisposition syndrome; LEIOMYOMA, MULTIPLE CUTANEOUS; Reed syndrome; Multiple cutaneous and uterine leiomyomatosis. Identifiers: Orphanet 523, MedGen C1708350, MONDO:0007888, OMIM 150800, HP:0007437. Disease mechanism: loss of function.
Fumarase deficiency (FMRD). Also called: Fumaric aciduria; Fumarate Hydratase Deficiency. Identifiers: Orphanet 24, MedGen C0342770, MONDO:0011730, OMIM 606812.

Allele frequency attached by ClinVar (database versions not stated): gnomAD exomes below 0.00001.
gnomAD v4.1: 2 of 1,613,162 alleles (0.00012%); highest among the groups gnomAD compares: Non-Finnish European, 0.00017%; no homozygotes.

Submissions (7):

PreventionGenetics, part of Exact Sciences
Classification: Uncertain significance for FH-related condition. Last evaluated: 2026-09-11. Review status: criteria provided, single submitter. Criteria: ACMG Guidelines, 2015. Collection method: clinical testing. Allele origin: germline.
Comment: The FH c.382G>A variant is predicted to result in the amino acid substitution p.Ala128Thr. To our knowledge, this variant has not been reported in the literature or in a large population database (gnomAD), indicating this variant is rare. This variant is interpreted as uncertain in ClinVar (Variation ID: 460353). At this time, the clinical significance of this variant is uncertain due to the absence of conclusive functional and genetic evidence.

Labcorp Genetics (formerly Invitae), Labcorp
Classification: Uncertain significance. Last evaluated: 2025-05-05. Review status: criteria provided, single submitter. Criteria: Invitae Variant Classification Sherloc (09022015). Collection method: clinical testing. Allele origin: germline.
Comment: This sequence change replaces alanine, which is neutral and non-polar, with threonine, which is neutral and polar, at codon 128 of the FH protein (p.Ala128Thr). This variant is not present in population databases (gnomAD no frequency). This variant has not been reported in the literature in individuals affected with FH-related conditions. ClinVar contains an entry for this variant (Variation ID: 460353). Invitae Evidence Modeling of protein sequence and biophysical properties (such as structural, functional, and spatial information, amino acid conservation, physicochemical variation, residue mobility, and thermodynamic stability) has been performed for this missense variant. However, the output from this modeling did not meet the statistical confidence thresholds required to predict the impact of this variant on FH protein function. In summary, the available evidence is currently insufficient to determine the role of this variant in disease. Therefore, it has been classified as a Variant of Uncertain Significance.

Ambry Genetics
Classification: Uncertain significance for Hereditary cancer-predisposing syndrome. Last evaluated: 2024-06-10. Review status: criteria provided, single submitter. Criteria: Ambry Variant Classification Scheme 2023. Collection method: clinical testing. Allele origin: germline.
Comment: The p.A128T variant (also known as c.382G>A), located in coding exon 4 of the FH gene, results from a G to A substitution at nucleotide position 382. The alanine at codon 128 is replaced by threonine, an amino acid with similar properties. This amino acid position is well conserved in available vertebrate species. In addition, the in silico prediction for this alteration is inconclusive. Since supporting evidence is limited at this time, the clinical significance of this alteration remains unclear.

GeneDx
Classification: Uncertain significance. Last evaluated: 2024-04-05. Review status: criteria provided, single submitter. Criteria: GeneDx Variant Classification Process June 2021. Collection method: clinical testing. Allele origin: germline. Affected: yes.
Comment: Not observed at significant frequency in large population cohorts (gnomAD); In silico analysis indicates that this missense variant does not alter protein structure/function; Has not been previously published as pathogenic or benign to our knowledge

Fulgent Genetics
Classification: Uncertain significance for Hereditary leiomyomatosis and renal cell cancer; Fumarase deficiency. Last evaluated: 2018-10-31. Review status: criteria provided, single submitter. Criteria: ACMG Guidelines, 2015. Collection method: clinical testing. Allele origin: unknown.

Natera, Inc.
Classification: Uncertain significance for Fumarase Deficiency. Last evaluated: 2021-04-06. Review status: no assertion criteria provided. Collection method: clinical testing. Allele origin: germline. Not counted in ClinVar's aggregate classification.

Blake Wilde Laboratory, Roswell Park Comprehensive Cancer Center
No classification provided (evidence only). Condition: Hereditary leiomyomatosis and renal cell cancer. Review status: no classification provided. Collection method: in vitro. Allele origin: not applicable. Functional consequence: functionally normal. Not counted in ClinVar's aggregate classification.

NM_000143.4(FH):c.382G>A (p.Ala128Thr)

Gene: FH (fumarate hydratase; minus strand). Cytogenetic location: 1q43.
Variant type: single nucleotide variant.
Coding change: c.382G>A on transcript NM_000143.4 (MANE Select); coding-DNA position 382, G replaced by A.
Protein change: p.Ala128Thr; replaces alanine 128 with threonine.
Molecular consequence: missense variant.
Genome position (GRCh38, 1-based): chr1:241,512,140, C>T on the plus strand (G>A on the coding strand, the complement: FH is on the minus strand). VCF-style: chr1-241512140-C-T. GRCh37 (hg19) VCF-style: chr1-241675440-C-T.
Other names: short protein forms A128T.
Identifiers: ClinVar variation 460353 (VCV000460353.16), dbSNP rs1553341620, ClinGen allele CA345440227.